The following is an entry in ClinVar:

NM_001384156.1(PCBP3):c.166-8dup

Gene: PCBP3 (poly(rC) binding protein 3; plus strand). Cytogenetic location: 21q22.3.
Variant type: Duplication.
Coding change: c.166-8dup on transcript NM_001384156.1 (MANE Select); 8 bases into the intron before coding-DNA position 166, one base duplicated (T; older notation c.166-8dupT).
Molecular consequence: intron variant.
Genome position (GRCh38, 1-based): chr21:45,899,591, T duplicated; the last of 10 consecutive T bases (chr21:45,899,582-45,899,591); duplicating any one gives the same sequence. VCF-style (leftmost placement, unchanged base first): chr21-45899581-A-AT. GRCh37 (hg19) VCF-style: chr21-47319495-A-AT.
Other names: c.166-8dup (NM_001382284.1, NM_001382286.1, NM_001348239.2 and 17 more transcripts); c.70-8dup (NM_001348242.2, NM_001382276.1).
Identifiers: ClinVar variation 3055844 (VCV003055844.2), dbSNP rs145892465, ClinGen allele CA10068833.
Genomic context (GRCh38, chr21:45,899,581, plus strand): 5'-TTCGGTAGTGTCTGCCTCCAGTGTTTTCCTCCTCCTGCTCTATGACATCATCTTTCTGTG[A>AT]TTTTTTTTTTCTTGCAGGAAGTTGGAAGCATCATCGGGAAGGTAATTATTGATTGAATCT-3'

ClinVar aggregate classification (germline): Likely benign (0 of 4 stars; one submission).

Conditions:
PCBP3-related disorder. Also called: PCBP3-related condition.

Submission:

PreventionGenetics, part of Exact Sciences
Classification: Likely benign for PCBP3-related condition. Last evaluated: 2019-11-04. Review status: no assertion criteria provided. Collection method: clinical testing. Allele origin: germline.
Comment: This variant is classified as likely benign based on ACMG/AMP sequence variant interpretation guidelines (Richards et al. 2015 PMID: 25741868, with internal and published modifications).